The following is an entry in ClinVar:

NM_001369.3(DNAH5):c.1450del (p.Ile483_Ile484insTer)

Gene: DNAH5 (dynein axonemal heavy chain 5; minus strand). Cytogenetic location: 5p15.2.
Variant type: Deletion.
Coding change: c.1450del on transcript NM_001369.3 (MANE Select); coding-DNA position 1450, one base deleted (A; older notation c.1450delA).
Protein change: p.Ile483_Ile484insTer.
Molecular consequence: nonsense.
Genome position (GRCh38, 1-based): chr5:13,913,829, T deleted on the plus strand (A on the coding strand, the reverse complement: DNAH5 is on the minus strand); the first of 2 consecutive T bases (chr5:13,913,829-13,913,830); deleting either gives the same sequence. VCF-style (leftmost placement, unchanged base first): chr5-13913828-AT-A. GRCh37 (hg19) VCF-style: chr5-13913937-AT-A.
Identifiers: ClinVar variation 2810006 (VCV002810006.3), dbSNP rs2547127233, ClinGen allele CA2739274593.

ClinVar aggregate classification (germline): Pathogenic (1 of 4 stars; one submission).

Conditions:
Primary ciliary dyskinesia. Also called: Ciliary dyskinesia. Identifiers: Orphanet 244, MedGen C0008780, MONDO:0016575, HP:0012265.

Submission:

Labcorp Genetics (formerly Invitae), Labcorp
Classification: Pathogenic for Primary ciliary dyskinesia. Last evaluated: 2022-10-27. Review status: criteria provided, single submitter. Criteria: Invitae Variant Classification Sherloc (09022015). Collection method: clinical testing. Allele origin: germline.
Comment: For these reasons, this variant has been classified as Pathogenic. This variant has not been reported in the literature in individuals affected with DNAH5-related conditions. This variant is not present in population databases (gnomAD no frequency). This sequence change creates a premature translational stop signal (p.Ile484*) in the DNAH5 gene. It is expected to result in an absent or disrupted protein product. Loss-of-function variants in DNAH5 are known to be pathogenic (PMID: 11788826, 16627867).

Literature cited by the submitters: PubMed 11788826; PubMed 16627867.